The following is an entry in ClinVar:

ClinVar aggregate classification (germline): Uncertain significance. Review status: criteria provided, multiple submitters, no conflicts (2 of 4 stars). 3 submissions from 3 submitters: Uncertain significance (3). Last evaluated 2025-09-29.

Conditions:
Hereditary cancer-predisposing syndrome. Also called: Hereditary neoplastic syndrome; Tumor predisposition; Hereditary Cancer Syndrome; Neoplastic Syndromes, Hereditary. Identifiers: Orphanet 140162, MedGen C0027672, MeSH D009386, MONDO:0015356.
Familial cancer of breast. Also called: hereditary breast carcinoma; Hereditary breast cancer; BREAST CANCER, FAMILIAL. Identifiers: Orphanet 227535, MedGen C0346153, MONDO:0016419, OMIM 114480. Disease mechanism: loss of function.

Allele frequency attached by ClinVar (database versions not stated): gnomAD 0.00001; ExAC 0.00002; gnomAD exomes 0.00002 and below 0.00001; TOPMed below 0.00001.
gnomAD v4.1: 7 of 1,614,030 alleles (0.00043%); highest among the groups gnomAD compares: East Asian, 0.0089%; no homozygotes.

Submissions (3):

Ambry Genetics
Classification: Uncertain significance for Hereditary cancer-predisposing syndrome. Last evaluated: 2025-09-29. Review status: criteria provided, single submitter. Criteria: Ambry Variant Classification Scheme 2023. Collection method: clinical testing. Allele origin: germline.
Comment: The p.Q1020R variant (also known as c.3059A>G), located in coding exon 10 of the PALB2 gene, results from an A to G substitution at nucleotide position 3059. The glutamine at codon 1020 is replaced by arginine, an amino acid with highly similar properties. This amino acid position is well conserved in available vertebrate species. In addition, this alteration is predicted to be tolerated by in silico analysis. Based on the available evidence, the clinical significance of this variant remains unclear.

Labcorp Genetics (formerly Invitae), Labcorp
Classification: Uncertain significance for Familial cancer of breast. Last evaluated: 2025-09-11. Review status: criteria provided, single submitter. Criteria: Invitae Variant Classification Sherloc (09022015). Collection method: clinical testing. Allele origin: germline.
Comment: This sequence change replaces glutamine, which is neutral and polar, with arginine, which is basic and polar, at codon 1020 of the PALB2 protein (p.Gln1020Arg). This variant is present in population databases (rs776221283, gnomAD 0.02%). This missense change has been observed in individual(s) with breast cancer and/or endometrial cancer (PMID: 30093976, 33646313). ClinVar contains an entry for this variant (Variation ID: 220010). Invitae Evidence Modeling of protein sequence and biophysical properties (such as structural, functional, and spatial information, amino acid conservation, physicochemical variation, residue mobility, and thermodynamic stability) indicates that this missense variant is expected to disrupt PALB2 protein function with a positive predictive value of 80%. In summary, the available evidence is currently insufficient to determine the role of this variant in disease. Therefore, it has been classified as a Variant of Uncertain Significance.

Color Diagnostics, LLC DBA Color Health
Classification: Uncertain significance for Hereditary cancer-predisposing syndrome. Last evaluated: 2021-05-03. Review status: criteria provided, single submitter. Criteria: ACMG Guidelines, 2015. Collection method: clinical testing. Allele origin: germline.
Comment: This missense variant replaces glutamine with arginine at codon 1020 of the PALB2 protein. Computational prediction suggests that this variant may not impact protein structure and function (internally defined REVEL score threshold <= 0.5, PMID: 27666373). To our knowledge, functional studies have not been reported for this variant. This variant has been reported in a breast cancer case-control study in two cases and one unaffected individual (PMID: 33471991; Leiden Open Variation Database DB-ID PALB2_010790) and in an individual affected with endometrial cancer (PMID: 30093976). This variant has been identified in 4/251452 chromosomes in the general population by the Genome Aggregation Database (gnomAD). The available evidence is insufficient to determine the role of this variant in disease conclusively. Therefore, this variant is classified as a Variant of Uncertain Significance.

Literature cited by the submitters: PubMed 30093976 (cited by Labcorp Genetics (formerly Invitae), Labcorp); PubMed 33646313 (cited by Labcorp Genetics (formerly Invitae), Labcorp).

NM_024675.4(PALB2):c.3059A>G (p.Gln1020Arg)

Gene: PALB2 (partner and localizer of BRCA2; minus strand). Cytogenetic location: 16p12.2.
Variant type: single nucleotide variant.
Coding change: c.3059A>G on transcript NM_024675.4 (MANE Select); coding-DNA position 3059, A replaced by G.
Protein change: p.Gln1020Arg; replaces glutamine 1020 with arginine.
Molecular consequence: missense variant.
Genome position (GRCh38, 1-based): chr16:23,621,416, T>C on the plus strand (A>G on the coding strand, the complement: PALB2 is on the minus strand). VCF-style: chr16-23621416-T-C. GRCh37 (hg19) VCF-style: chr16-23632737-T-C.
Other names: short protein forms Q1020R.
Identifiers: ClinVar variation 220010 (VCV000220010.19), dbSNP rs776221283, ClinGen allele CA350116.